The following is an entry in ClinVar:

NM_001297.5(CNGB1):c.1775C>T (p.Thr592Ile)

Gene: CNGB1 (cyclic nucleotide gated channel subunit beta 1; minus strand). Cytogenetic location: 16q21.
Variant type: single nucleotide variant.
Coding change: c.1775C>T on transcript NM_001297.5 (MANE Select); coding-DNA position 1775, C replaced by T.
Protein change: p.Thr592Ile; replaces threonine 592 with isoleucine.
Molecular consequence: missense variant.
Genome position (GRCh38, 1-based): chr16:57,920,413, G>A on the plus strand (C>T on the coding strand, the complement: CNGB1 is on the minus strand). VCF-style: chr16-57920413-G-A. GRCh37 (hg19) VCF-style: chr16-57954317-G-A.
Other names: c.1757C>T, p.Thr586Ile (NM_001286130.2); short protein forms T586I, T592I.
Identifiers: ClinVar variation 854600 (VCV000854600.9), dbSNP rs1960998163, ClinGen allele CA396066216.
Genomic context (GRCh38, chr16:57,920,413, plus strand): 5'-CATCCAGGTAGACCCCCTCCAGCTCCAGACTCACAGGGCTTGGGGCTCTCCTCATCAGAG[G>A]TGACGTCAGGGTCAATGAGTTTCTCCTTCACTTTCTCTGTCCGCTCCTTGAAGAGCTTCA-3'
Protein context (NP_001288.3, residues 582-602): VKEKLIDPDV[Thr592Ile]SDEESPKPSP

ClinVar aggregate classification (germline): Uncertain significance (1 of 4 stars; one submission).

Allele frequency attached by ClinVar (database versions not stated): gnomAD 0.00001; TOPMed 0.00001.
gnomAD v4.1: 1 of 1,614,094 alleles (0.000062%); highest among the groups gnomAD compares: Non-Finnish European, 0.000085%; no homozygotes.

Submission:

Labcorp Genetics (formerly Invitae), Labcorp
Classification: Uncertain significance. Last evaluated: 2019-11-28. Review status: criteria provided, single submitter. Criteria: Invitae Variant Classification Sherloc (09022015). Collection method: clinical testing. Allele origin: germline.
Comment: In summary, the available evidence is currently insufficient to determine the role of this variant in disease. Therefore, it has been classified as a Variant of Uncertain Significance. Algorithms developed to predict the effect of missense changes on protein structure and function are either unavailable or do not agree on the potential impact of this missense change (SIFT: "Deleterious"; PolyPhen-2: "Probably Damaging"; Align-GVGD: "Class C0"). This variant has not been reported in the literature in individuals with CNGB1-related conditions. This variant is not present in population databases (ExAC no frequency). This sequence change replaces threonine with isoleucine at codon 592 of the CNGB1 protein (p.Thr592Ile). The threonine residue is weakly conserved and there is a moderate physicochemical difference between threonine and isoleucine.